The following is an entry in ClinVar:

ClinVar aggregate classification (germline): Uncertain significance (1 of 4 stars; one submission).

gnomAD v4.1: 9 of 1,604,148 alleles (0.00056%); highest among the groups gnomAD compares: African/African-American, 0.0013%; no homozygotes.

Submission:

Ambry Genetics
Classification: Uncertain significance. Last evaluated: 2024-12-15. Review status: criteria provided, single submitter. Criteria: Ambry Variant Classification Scheme 2023. Collection method: clinical testing. Allele origin: germline.
Comment: The p.G1487R variant (also known as c.4459G>A), located in coding exon 19 of the WNK2 gene, results from a G to A substitution at nucleotide position 4459. The glycine at codon 1487 is replaced by arginine, an amino acid with dissimilar properties. This amino acid position is conserved. In addition, this alteration is predicted to be tolerated by in silico analysis. Based on the available evidence, the clinical significance of this variant remains unclear.

NM_006648.4(WNK2):c.4459G>A (p.Gly1487Arg)

Gene: WNK2 (WNK lysine deficient protein kinase 2; plus strand). Cytogenetic location: 9q22.31.
Variant type: single nucleotide variant.
Coding change: c.4459G>A on transcript NM_006648.4 (MANE Select); coding-DNA position 4459, G replaced by A.
Protein change: p.Gly1487Arg; replaces glycine 1487 with arginine.
Molecular consequence: missense variant.
Genome position (GRCh38, 1-based): chr9:93,289,213, G>A. VCF-style: chr9-93289213-G-A. GRCh37 (hg19) VCF-style: chr9-96051495-G-A.
Other names: c.4570G>A, p.Gly1524Arg (NM_001282394.3); short protein forms G1487R, G1524R.
Identifiers: ClinVar variation 3816501 (VCV003816501.1).
Genomic context (GRCh38, chr9:93,289,213, plus strand): 5'-GACGCCAGTGCCCCAAGGGAGCCCCTGCCACCTCCTGCACCTGAGCCCAGCCCCCACAGC[G>A]GGACCCCACAGCCCGCCTTGGGTCAACCTGCTCCCCTGCTTCCTGCCGCAGTGGGGGCCG-3'
Protein context (NP_006639.3, residues 1477-1497): PPAPEPSPHS[Gly1487Arg]TPQPALGQPA